The following is an entry in ClinVar:

ClinVar aggregate classification (germline): Uncertain significance (1 of 4 stars; one submission).

Conditions:
Cardiovascular phenotype. Identifiers: MedGen CN230736.

Submission:

Ambry Genetics
Classification: Uncertain significance for Cardiovascular phenotype. Last evaluated: 2023-02-21. Review status: criteria provided, single submitter. Criteria: Ambry Variant Classification Scheme 2023. Collection method: clinical testing. Allele origin: germline.
Comment: The c.905-5T>G intronic alteration consists of a T to G substitution 5 nucleotides before exon 8 of the ABCG5 gene. Based on insufficient or conflicting evidence, the clinical significance of this alteration remains unclear.

NM_022436.3(ABCG5):c.905-5T>G

Genes: ABCG5 (ATP binding cassette subfamily G member 5; minus strand), DYNC2LI1 (dynein cytoplasmic 2 light intermediate chain 1; plus strand). Cytogenetic location: 2p21.
Variant type: single nucleotide variant.
Coding change: c.905-5T>G on transcript NM_022436.3 (MANE Select); 5 bases into the intron before coding-DNA position 905, T replaced by G.
Molecular consequence: intron variant.
Genome position (GRCh38, 1-based): chr2:43,824,437, A>C on the plus strand (T>G on the coding strand, the complement: ABCG5 is on the minus strand). VCF-style: chr2-43824437-A-C. GRCh37 (hg19) VCF-style: chr2-44051576-A-C.
Other names: c.*16-2949A>C (NM_001348913.2, NM_001348912.2).
Identifiers: ClinVar variation 2481949 (VCV002481949.2), dbSNP rs2466008180, ClinGen allele CA2580066493.